The following is an entry in ClinVar:

NM_018127.7(ELAC2):c.1729C>G (p.Leu577Val)

Gene: ELAC2 (elaC ribonuclease Z 2; minus strand). Cytogenetic location: 17p12.
Variant type: single nucleotide variant.
Coding change: c.1729C>G on transcript NM_018127.7 (MANE Select); coding-DNA position 1729, C replaced by G.
Protein change: p.Leu577Val; replaces leucine 577 with valine.
Molecular consequence: missense variant.
Genome position (GRCh38, 1-based): chr17:12,995,782, G>C on the plus strand (C>G on the coding strand, the complement: ELAC2 is on the minus strand). VCF-style: chr17-12995782-G-C. GRCh37 (hg19) VCF-style: chr17-12899099-G-C.
Other names: c.1609C>G, p.Leu537Val (NM_001165962.2); c.1726C>G, p.Leu576Val (NM_173717.2); short protein forms L576V, L577V, L537V.
Identifiers: ClinVar variation 2181211 (VCV002181211.4), dbSNP rs1422547670, ClinGen allele CA398223657.

ClinVar aggregate classification (germline): Uncertain significance (1 of 4 stars; one submission).

Conditions:
Combined oxidative phosphorylation defect type 17. Also called: Combined oxidative phosphorylation deficiency 17. Identifiers: Orphanet 369913, MedGen C3809526, MONDO:0014190, OMIM 615440.

Submission:

Labcorp Genetics (formerly Invitae), Labcorp
Classification: Uncertain significance for Combined oxidative phosphorylation defect type 17. Last evaluated: 2022-03-14. Review status: criteria provided, single submitter. Criteria: Invitae Variant Classification Sherloc (09022015). Collection method: clinical testing. Allele origin: germline.
Comment: In summary, the available evidence is currently insufficient to determine the role of this variant in disease. Therefore, it has been classified as a Variant of Uncertain Significance. Algorithms developed to predict the effect of missense changes on protein structure and function (SIFT, PolyPhen-2, Align-GVGD) all suggest that this variant is likely to be tolerated. This variant has not been reported in the literature in individuals affected with ELAC2-related conditions. This variant is not present in population databases (gnomAD no frequency). This sequence change replaces leucine, which is neutral and non-polar, with valine, which is neutral and non-polar, at codon 577 of the ELAC2 protein (p.Leu577Val).